The following is an entry in ClinVar:

NM_020461.4(TUBGCP6):c.4108+6_4108+7del

Gene: TUBGCP6 (tubulin gamma complex component 6; minus strand). Cytogenetic location: 22q13.33.
Variant type: Microsatellite.
Coding change: c.4108+6_4108+7del on transcript NM_020461.4 (MANE Select); bases 6 to 7 of the intron after coding-DNA position 4108, 2 bases deleted (AG; older notation c.4108+6_4108+7delAG).
Molecular consequence: intron variant.
Genome position (GRCh38, 1-based): chr22:50,220,244-50,220,245, CT deleted on the plus strand (AG on the coding strand, the reverse complement: TUBGCP6 is on the minus strand); deleting any 2 consecutive bases within chr22:50,220,244-50,220,247 gives the same sequence; the c. name uses the placement nearest the transcript's 3' end. VCF-style (leftmost placement, unchanged base first): chr22-50220243-ACT-A. GRCh37 (hg19) VCF-style: chr22-50658672-ACT-A.
Other names: c.4108+6_4108+7delAG (NM_020461.3).
Identifiers: ClinVar variation 1157502 (VCV001157502.12), dbSNP rs554870008, ClinGen allele CA10307725.
Genomic context (GRCh38, chr22:50,220,243, plus strand): 5'-CCCGCCTACCTCCCAGGCTCTGTGCGTCCCACAGTCCCACTCCTGACCACCAGCCACCCT[ACT>A]CTGACCTAGTTCTTCAGAGACACTGTCTCCCGGGGTGTTGGGCCACCATGGTTGGGTGGG-3'

ClinVar aggregate classification (germline): Likely benign. Review status: criteria provided, multiple submitters, no conflicts (2 of 4 stars). 4 submissions from 4 submitters: Likely benign (4). Last evaluated 2026-01-29.

Conditions:
Inborn genetic diseases. Identifiers: MedGen C0950123, MeSH D030342.
TUBGCP6-related disorder. Also called: TUBGCP6-related condition.

Submissions (4):

Labcorp Genetics (formerly Invitae), Labcorp
Classification: Likely benign. Last evaluated: 2026-01-29. Review status: criteria provided, single submitter. Criteria: Invitae Variant Classification Sherloc (09022015). Collection method: clinical testing. Allele origin: germline.

PreventionGenetics, part of Exact Sciences
Classification: Likely benign for TUBGCP6-related condition. Last evaluated: 2025-07-09. Review status: criteria provided, single submitter. Criteria: ACMG Guidelines, 2015. Collection method: clinical testing. Allele origin: germline.
Comment: This variant is classified as likely benign based on ACMG/AMP sequence variant interpretation guidelines (Richards et al. 2015 PMID: 25741868, with internal and published modifications).

Blueprint Genetics
Classification: Likely benign. Last evaluated: 2022-09-05. Review status: criteria provided, single submitter. Criteria: ACMG Guidelines, 2015. Collection method: clinical testing. Allele origin: germline.

Ambry Genetics
Classification: Likely benign for Inborn genetic diseases. Last evaluated: 2022-02-28. Review status: criteria provided, single submitter. Criteria: Ambry Variant Classification Scheme 2023. Collection method: clinical testing. Allele origin: germline.